The following is an entry in ClinVar:

NM_014068.3(PSORS1C1):c.13+10C>G

Gene: PSORS1C1 (psoriasis susceptibility 1 candidate 1; plus strand). Cytogenetic location: 6p21.33.
Variant type: single nucleotide variant.
Coding change: c.13+10C>G on transcript NM_014068.3 (MANE Select); 10 bases into the intron after coding-DNA position 13, C replaced by G.
Molecular consequence: intron variant.
Genome position (GRCh38, 1-based): chr6:31,129,655, C>G. VCF-style: chr6-31129655-C-G. GRCh37 (hg19) VCF-style: chr6-31097432-C-G.
Identifiers: ClinVar variation 3033808 (VCV003033808.2), dbSNP rs374244467, ClinGen allele CA3708634.
Genomic context (GRCh38, chr6:31,129,655, plus strand): 5'-GCAGTCCTCCATCCAGTCTTGACTTTGGCACTTGTGATATGACTTGCACAGGTGAGTTAC[C>G]TCTCTCAGTGTTGGTTCCTCTTCTGTGAAATGGGGCTAATCATTTGCTTTATTGAGTGCC-3'

ClinVar aggregate classification (germline): Likely benign (0 of 4 stars; one submission).

Conditions:
PSORS1C1-related disorder. Also called: PSORS1C1-related condition.

Allele frequency attached by ClinVar (database versions not stated): ESP Exome Variant Server 0.00012; TOPMed 0.00041; gnomAD 0.00059; ExAC 0.00065; 1000 Genomes Project 30x 0.00265; 1000 Genomes Project 0.00300.
gnomAD v4.1: 319 of 779,862 alleles (0.041%); highest among the groups gnomAD compares: East Asian, 0.33%; 2 homozygotes.

Submission:

PreventionGenetics, part of Exact Sciences
Classification: Likely benign for PSORS1C1-related condition. Last evaluated: 2019-08-01. Review status: no assertion criteria provided. Collection method: clinical testing. Allele origin: germline.
Comment: This variant is classified as likely benign based on ACMG/AMP sequence variant interpretation guidelines (Richards et al. 2015 PMID: 25741868, with internal and published modifications).